The following is an entry in ClinVar:

NM_015378.4(VPS13D):c.598G>T (p.Val200Leu)

Gene: VPS13D (vacuolar protein sorting 13 homolog D; plus strand). Cytogenetic location: 1p36.22.
Variant type: single nucleotide variant.
Coding change: c.598G>T on transcript NM_015378.4 (MANE Select); coding-DNA position 598, G replaced by T.
Protein change: p.Val200Leu; replaces valine 200 with leucine.
Molecular consequence: missense variant.
Genome position (GRCh38, 1-based): chr1:12,253,755, G>T. VCF-style: chr1-12253755-G-T. GRCh37 (hg19) VCF-style: chr1-12313812-G-T.
Other names: p.Val200Leu; c.598G>T, p.Val200Leu (NM_018156.4); short protein forms V200L.
Identifiers: ClinVar variation 4540648 (VCV004540648.1).
Genomic context (GRCh38, chr1:12,253,755, plus strand): 5'-TTTTCTTCTTTGTCTTTTTTACCTCAGGTACAGAAACTAATGCGGAAAAAGCAATTAGAC[G>T]TAGCAGAATTTAGCATCTATTGGGATGTCGATTGCACTTTACTGGGGGATTTGCCTCAGA-3'
Protein context (NP_056193.2, residues 190-210): QKLMRKKQLD[Val200Leu]AEFSIYWDVD

ClinVar aggregate classification (germline): Uncertain significance (1 of 4 stars; one submission).

gnomAD v4.1: 2 of 1,614,080 alleles (0.00012%); highest among the groups gnomAD compares: Non-Finnish European, 0.000085%; no homozygotes.

Submission:

Mayo Clinic Laboratories, Mayo Clinic
Classification: Uncertain significance. Last evaluated: 2025-07-30. Review status: criteria provided, single submitter. Criteria: ACMG Guidelines, 2015. Collection method: clinical testing. Allele origin: germline. Observed: 1 variant allele.
Comment: BP4_moderate